The following is an entry in ClinVar:

ClinVar aggregate classification (germline): Uncertain significance. Review status: criteria provided, multiple submitters, no conflicts (2 of 4 stars). 2 submissions from 2 submitters: Uncertain significance (2). Last evaluated 2026-04-12.

Conditions:
Inborn genetic diseases. Identifiers: MedGen C0950123, MeSH D030342.
NPHP4-related disorder. Also called: NPHP4-related disorders; NPHP4-related condition. Identifiers: MedGen CN239384.

gnomAD v4.1: 4 of 1,612,008 alleles (0.00025%); highest among the groups gnomAD compares: East Asian, 0.0089%; no homozygotes.

Submissions (2):

PreventionGenetics, part of Exact Sciences
Classification: Uncertain significance for NPHP4-related condition. Last evaluated: 2026-04-12. Review status: criteria provided, single submitter. Criteria: ACMG Guidelines, 2015. Collection method: clinical testing. Allele origin: germline.
Comment: The NPHP4 c.3098A>G variant is predicted to result in the amino acid substitution p.His1033Arg. To our knowledge, this variant has not been reported in the literature. This variant is reported in 0.0051% of alleles in individuals of East Asian descent in gnomAD. At this time, the clinical significance of this variant is uncertain due to the absence of conclusive functional and genetic evidence.

Ambry Genetics
Classification: Uncertain significance for Inborn genetic diseases. Last evaluated: 2024-03-26. Review status: criteria provided, single submitter. Criteria: Ambry Variant Classification Scheme 2023. Collection method: clinical testing. Allele origin: germline.

NM_015102.5(NPHP4):c.3098A>G (p.His1033Arg)

Gene: NPHP4 (nephrocystin 4; minus strand). Cytogenetic location: 1p36.31.
Variant type: single nucleotide variant.
Coding change: c.3098A>G on transcript NM_015102.5 (MANE Select); coding-DNA position 3098, A replaced by G.
Protein change: p.His1033Arg; replaces histidine 1033 with arginine.
Molecular consequence: missense variant. On other transcripts: non-coding transcript variant (1).
Genome position (GRCh38, 1-based): chr1:5,874,604, T>C on the plus strand (A>G on the coding strand, the complement: NPHP4 is on the minus strand). VCF-style: chr1-5874604-T-C. GRCh37 (hg19) VCF-style: chr1-5934664-T-C.
Other names: c.1559A>G, p.His520Arg (NM_001291593.2); c.1562A>G, p.His521Arg (NM_001291594.2); c.3098A>G (NM_015102.4); short protein forms H1033R, H520R, H521R.
Identifiers: ClinVar variation 3300796 (VCV003300796.2).